The following is an entry in ClinVar:

NM_020822.3(KCNT1):c.3450C>A (p.Ser1150=)

Gene: KCNT1 (potassium sodium-activated channel subfamily T member 1; plus strand). Cytogenetic location: 9q34.3.
Variant type: single nucleotide variant.
Coding change: c.3450C>A on transcript NM_020822.3 (MANE Select); coding-DNA position 3450, C replaced by A.
Protein change: p.Ser1150=; no amino-acid change (serine 1150 retained).
Molecular consequence: synonymous variant.
Genome position (GRCh38, 1-based): chr9:135,786,469, C>A. VCF-style: chr9-135786469-C-A. GRCh37 (hg19) VCF-style: chr9-138678315-C-A.
Other names: c.3315C>A, p.Ser1105= (NM_001272003.2).
Identifiers: ClinVar variation 385366 (VCV000385366.1), dbSNP rs757210594, ClinGen allele CA16605462.

ClinVar aggregate classification (germline): Likely benign (1 of 4 stars; one submission).

gnomAD v4.1: 1 of 1,603,424 alleles (0.000062%); no homozygotes.

Submission:

GeneDx
Classification: Likely benign. Last evaluated: 2016-04-15. Review status: criteria provided, single submitter. Criteria: GeneDx Variant Classification (06012015). Collection method: clinical testing. Allele origin: germline. Affected: yes.
Comment: This variant is considered likely benign or benign based on one or more of the following criteria: it is a conservative change, it occurs at a poorly conserved position in the protein, it is predicted to be benign by multiple in silico algorithms, and/or has population frequency not consistent with disease.